The following is an entry in ClinVar:

NM_004429.5(EFNB1):c.-695C>T

Gene: EFNB1 (ephrin B1; plus strand). Cytogenetic location: Xq13.1.
Variant type: single nucleotide variant.
Coding change: c.-695C>T on transcript NM_004429.5 (MANE Select); 695 bases upstream of the start codon, C replaced by T.
Molecular consequence: 5 prime UTR variant.
Genome position (GRCh38, 1-based): chrX:68,829,082, C>T. VCF-style: chrX-68829082-C-T. GRCh37 (hg19) VCF-style: chrX-68048925-C-T.
Identifiers: ClinVar variation 1723074 (VCV001723074.2), dbSNP rs189750013, ClinGen allele CA330857168.

ClinVar aggregate classification (germline): Likely benign (1 of 4 stars; one submission).

Allele frequency attached by ClinVar (database versions not stated): 1000 Genomes Project 30x 0.00146; 1000 Genomes Project 0.00185; gnomAD exomes 0.00305.
gnomAD v4.1: 551 of 115,036 alleles (0.48%); highest among the groups gnomAD compares: Non-Finnish European, 0.7%; no homozygotes.

Submission:

GeneDx
Classification: Likely benign. Last evaluated: 2020-12-12. Review status: criteria provided, single submitter. Criteria: GeneDx Variant Classification Process June 2021. Collection method: clinical testing. Allele origin: germline. Affected: yes.
Comment: See Variant Classification Assertion Criteria.